The following is an entry in ClinVar:

ClinVar aggregate classification (germline): Uncertain significance (1 of 4 stars; one submission).

Submission:

GeneDx
Classification: Uncertain significance. Last evaluated: 2023-06-20. Review status: criteria provided, single submitter. Criteria: GeneDx Variant Classification Process June 2021. Collection method: clinical testing. Allele origin: germline. Affected: yes.
Comment: Not observed at significant frequency in large population cohorts (gnomAD); In silico analysis supports that this missense variant does not alter protein structure/function; Has not been previously published as pathogenic or benign to our knowledge

NM_004423.4(DVL3):c.1751A>G (p.Asp584Gly)

Gene: DVL3 (dishevelled segment polarity protein 3; plus strand). Cytogenetic location: 3q27.1.
Variant type: single nucleotide variant.
Coding change: c.1751A>G on transcript NM_004423.4 (MANE Select); coding-DNA position 1751, A replaced by G.
Protein change: p.Asp584Gly; replaces aspartic acid 584 with glycine.
Molecular consequence: missense variant.
Genome position (GRCh38, 1-based): chr3:184,170,355, A>G. VCF-style: chr3-184170355-A-G. GRCh37 (hg19) VCF-style: chr3-183888143-A-G.
Other names: short protein forms D584G.
Identifiers: ClinVar variation 3360193 (VCV003360193.1).
Genomic context (GRCh38, chr3:184,170,355, plus strand): 5'-CCCGGCCCTGTTTGCCTCCTACAGGCAGTCGGAGCAGTGGCTCCAACCGTAGCGGCAGCG[A>G]TCGGAGGAAGGAGAAGGACCCGAAGGCCGGGGACTCCAAGTCCGGGGGCAGCGGCAGCGA-3'
Protein context (NP_004414.3, residues 574-594): RSSGSNRSGS[Asp584Gly]RRKEKDPKAG